The following is an entry in ClinVar:

NC_000011.10:g.(?_71441217)_(71441450_?)del

Gene: DHCR7 (7-dehydrocholesterol reductase; minus strand). Cytogenetic location: 11q13.4.
Variant type: Deletion.
Identifiers: ClinVar variation 831165 (VCV000831165.5).

ClinVar aggregate classification (germline): Pathogenic (1 of 4 stars; one submission).

Conditions:
Smith-Lemli-Opitz syndrome (SLOS). Also called: 7-Dehydrocholesterol reductase deficiency; LETHAL ACRODYSGENITAL SYNDROME; POLYDACTYLY, SEX REVERSAL, RENAL HYPOPLASIA, AND UNILOBAR LUNG; RSH SYNDROME; RUTLEDGE LETHAL MULTIPLE CONGENITAL ANOMALY SYNDROME. Identifiers: Orphanet 818, MedGen C0175694, MONDO:0010035, OMIM 270400.

Submission:

Labcorp Genetics (formerly Invitae), Labcorp
Classification: Pathogenic for Smith-Lemli-Opitz syndrome. Last evaluated: 2019-04-20. Review status: criteria provided, single submitter. Criteria: Invitae Variant Classification Sherloc (09022015). Collection method: clinical testing. Allele origin: germline.
Comment: For these reasons, this variant has been classified as Pathogenic. Loss-of-function variants in DHCR7 are known to be pathogenic (PMID: 9634533, 10677299). This variant has not been reported in the literature in individuals with DHCR7-related conditions. This variant is an out-of-frame deletion of the genomic region encompassing exon 6 of the DHCR7 gene. This is expected to create a premature translational stop signal and result in an absent or disrupted protein product.

Literature cited by the submitters: PubMed 9634533; PubMed 10677299.